The following is an entry in ClinVar:

NM_002519.3(NPAT):c.2755A>G (p.Asn919Asp)

Gene: NPAT (nuclear protein, coactivator of histone transcription; minus strand). Cytogenetic location: 11q22.3.
Variant type: single nucleotide variant.
Coding change: c.2755A>G on transcript NM_002519.3 (MANE Select); coding-DNA position 2755, A replaced by G.
Protein change: p.Asn919Asp; replaces asparagine 919 with aspartic acid.
Molecular consequence: missense variant.
Genome position (GRCh38, 1-based): chr11:108,172,229, T>C on the plus strand (A>G on the coding strand, the complement: NPAT is on the minus strand). VCF-style: chr11-108172229-T-C. GRCh37 (hg19) VCF-style: chr11-108042956-T-C.
Other names: c.2755A>G, p.Asn919Asp (NM_001321307.1); short protein forms N919D.
Identifiers: ClinVar variation 3222553 (VCV003222553.1), dbSNP rs2496716116, ClinGen allele CA382512307.

ClinVar aggregate classification (germline): Uncertain significance (1 of 4 stars; one submission).

Submission:

Ambry Genetics
Classification: Uncertain significance. Last evaluated: 2023-09-27. Review status: criteria provided, single submitter. Criteria: Ambry Variant Classification Scheme 2023. Collection method: clinical testing. Allele origin: germline.
Comment: The p.N919D variant (also known as c.2755A>G), located in coding exon 13 of the NPAT gene, results from an A to G substitution at nucleotide position 2755. The asparagine at codon 919 is replaced by aspartic acid, an amino acid with highly similar properties. This amino acid position is conserved. In addition, this alteration is predicted to be tolerated by in silico analysis. Since supporting evidence is limited at this time, the clinical significance of this alteration remains unclear.